The following is an entry in ClinVar:

NM_145239.3(PRRT2):c.431C>T (p.Pro144Leu)

Genes: MVP-DT (MVP divergent transcript; minus strand), PRRT2 (proline rich transmembrane protein 2; plus strand). Cytogenetic location: 16p11.2.
Variant type: single nucleotide variant.
Coding change: c.431C>T on transcript NM_145239.3 (MANE Select); coding-DNA position 431, C replaced by T.
Protein change: p.Pro144Leu; replaces proline 144 with leucine.
Molecular consequence: missense variant.
Genome position (GRCh38, 1-based): chr16:29,813,485, C>T. VCF-style: chr16-29813485-C-T. GRCh37 (hg19) VCF-style: chr16-29824806-C-T.
Other names: c.431C>T, p.Pro144Leu (NM_001256442.2, NM_001256443.2); short protein forms P144L.
Identifiers: ClinVar variation 451350 (VCV000451350.11), dbSNP rs1317648011, ClinGen allele CA395478667.

ClinVar aggregate classification (germline): Conflicting classifications of pathogenicity. Review status: criteria provided, conflicting classifications (1 of 4 stars). 3 submissions from 3 submitters: Uncertain significance (2); Likely benign (1). Last evaluated 2025-09-25.

Conditions:
Inborn genetic diseases. Identifiers: MedGen C0950123, MeSH D030342.
Episodic kinesigenic dyskinesia (EKD). Also called: Paroxysmal kinesigenic dyskinesia. Identifiers: Orphanet 98809, MedGen C1868682, MONDO:0044202.

Allele frequency attached by ClinVar (database versions not stated): gnomAD 0.00001; gnomAD exomes 0.00001.
gnomAD v4.1: 27 of 1,613,670 alleles (0.0017%); highest among the groups gnomAD compares: Non-Finnish European, 0.0022%; no homozygotes.

Submissions (3):

Labcorp Genetics (formerly Invitae), Labcorp
Classification: Uncertain significance for Episodic kinesigenic dyskinesia. Last evaluated: 2025-09-25. Review status: criteria provided, single submitter. Criteria: Invitae Variant Classification Sherloc (09022015). Collection method: clinical testing. Allele origin: germline.
Comment: This sequence change replaces proline, which is neutral and non-polar, with leucine, which is neutral and non-polar, at codon 144 of the PRRT2 protein (p.Pro144Leu). This variant is present in population databases (no rsID available, gnomAD 0.003%). This variant has not been reported in the literature in individuals affected with PRRT2-related conditions. ClinVar contains an entry for this variant (Variation ID: 451350). Invitae Evidence Modeling of protein sequence and biophysical properties (such as structural, functional, and spatial information, amino acid conservation, physicochemical variation, residue mobility, and thermodynamic stability) indicates that this missense variant is not expected to disrupt PRRT2 protein function with a negative predictive value of 95%. In summary, the available evidence is currently insufficient to determine the role of this variant in disease. Therefore, it has been classified as a Variant of Uncertain Significance.

Ambry Genetics
Classification: Likely benign for Inborn genetic diseases. Last evaluated: 2025-04-11. Review status: criteria provided, single submitter. Criteria: Ambry Variant Classification Scheme 2023. Collection method: clinical testing. Allele origin: germline.

GeneDx
Classification: Uncertain significance. Last evaluated: 2017-08-21. Review status: criteria provided, single submitter. Criteria: GeneDx Variant Classification (06012015). Collection method: clinical testing. Allele origin: germline. Affected: yes.
Comment: The P144L variant in the PRRT2 gene has not been reported previously as a pathogenic variant, nor as a benign variant, to our knowledge. This variant is not observed in large population cohorts (Lek et al., 2016; 1000 Genomes Consortium et al., 2015; Exome Variant Server). The P144L variant is a semi-conservative amino acid substitution, which may impact secondary protein structure as these residues differ in some properties. This substitution occurs at a position that is not conserved. In silico analysis is inconsistent in its predictions as to whether or not the variant is damaging to the protein structure/function. e interpret P144L as a variant of uncertain significance.